The following is an entry in ClinVar:

ClinVar aggregate classification (germline): Pathogenic. Review status: criteria provided, multiple submitters, no conflicts (2 of 4 stars). 3 submissions from 3 submitters: Pathogenic (2). 1 of the submissions does not count toward it. Last evaluated 2024-10-28.

Conditions:
Developmental and epileptic encephalopathy, 9 (DEE9). Also called: Early infantile epileptic encephalopathy 9; EPILEPSY, FEMALE-RESTRICTED, WITH MENTAL RETARDATION; PCDH19-Related X-Linked Female-Limited Epilepsy with Mental Retardation; JUBERG-HELLMAN SYNDROME. Identifiers: Orphanet 101039, Orphanet 2076, MedGen C1848137, MONDO:0010246, OMIM 300088. Disease mechanism: loss of function.

Submissions (3):

Labcorp Genetics (formerly Invitae), Labcorp
Classification: Pathogenic for Developmental and epileptic encephalopathy, 9. Last evaluated: 2024-10-28. Review status: criteria provided, single submitter. Criteria: Invitae Variant Classification Sherloc (09022015). Collection method: clinical testing. Allele origin: germline.
Comment: This sequence change replaces aspartic acid, which is acidic and polar, with histidine, which is basic and polar, at codon 124 of the PCDH19 protein (p.Asp124His). This variant is not present in population databases (gnomAD no frequency). This missense change has been observed in individual(s) with clinical features of PCDH19-related conditions (PMID: 28837158; internal data). In at least one individual the variant was observed to be de novo. ClinVar contains an entry for this variant (Variation ID: 943000). Invitae Evidence Modeling of protein sequence and biophysical properties (such as structural, functional, and spatial information, amino acid conservation, physicochemical variation, residue mobility, and thermodynamic stability) indicates that this missense variant is expected to disrupt PCDH19 protein function with a positive predictive value of 95%. This variant disrupts the p.Asp124 amino acid residue in PCDH19. Other variant(s) that disrupt this residue have been determined to be pathogenic (PMID: 29377098, 31302675). This suggests that this residue is clinically significant, and that variants that disrupt this residue are likely to be disease-causing. For these reasons, this variant has been classified as Pathogenic.

GeneDx
Classification: Pathogenic. Last evaluated: 2023-06-12. Review status: criteria provided, single submitter. Criteria: GeneDx Variant Classification Process June 2021. Collection method: clinical testing. Allele origin: germline. Affected: yes.
Comment: Not observed at significant frequency in large population cohorts (gnomAD); Missense variants in this gene are often considered pathogenic (HGMD); In silico analysis supports that this missense variant has a deleterious effect on protein structure/function; This variant is associated with the following publications: (PMID: 28837158, 29377098, 31302675)

Genetic Services Laboratory, University of Chicago
Classification: Uncertain significance. Last evaluated: 2017-11-21. Review status: flagged submission. Criteria: ACMG Guidelines, 2015. Collection method: clinical testing. Allele origin: germline. Affected: no. Not counted in ClinVar's aggregate classification.
ClinVar note: Reason: Older claim that does not account for recent evidence

Literature cited by the submitters: PubMed 28837158 (cited by Labcorp Genetics (formerly Invitae), Labcorp); PubMed 29377098 (cited by Labcorp Genetics (formerly Invitae), Labcorp); PubMed 31302675 (cited by Labcorp Genetics (formerly Invitae), Labcorp).

NM_001184880.2(PCDH19):c.370G>C (p.Asp124His)

Gene: PCDH19 (protocadherin 19; minus strand). Cytogenetic location: Xq22.1.
Variant type: single nucleotide variant.
Coding change: c.370G>C on transcript NM_001184880.2 (MANE Select); coding-DNA position 370, G replaced by C.
Protein change: p.Asp124His; replaces aspartic acid 124 with histidine.
Molecular consequence: missense variant.
Genome position (GRCh38, 1-based): chrX:100,408,228, C>G on the plus strand (G>C on the coding strand, the complement: PCDH19 is on the minus strand). VCF-style: chrX-100408228-C-G. GRCh37 (hg19) VCF-style: chrX-99663226-C-G.
Other names: c.370G>C, p.Asp124His (NM_001105243.2, NM_020766.3); short protein forms D124H.
Identifiers: ClinVar variation 943000 (VCV000943000.12), dbSNP rs796052797, ClinGen allele CA414010276.